The following is an entry in ClinVar:

NM_016653.3(MAP3K20):c.415+5dup

Gene: MAP3K20 (mitogen-activated protein kinase kinase kinase 20; plus strand). Cytogenetic location: 2q31.1.
Variant type: Duplication.
Coding change: c.415+5dup on transcript NM_016653.3 (MANE Select); 5 bases into the intron after coding-DNA position 415, one base duplicated (T; older notation c.415+5dupT).
Molecular consequence: intron variant.
Genome position (GRCh38, 1-based): chr2:173,187,628, T duplicated. VCF-style (leftmost placement, unchanged base first): chr2-173187627-A-AT. GRCh37 (hg19) VCF-style: chr2-174052355-A-AT.
Other names: c.415+5dup (NM_133646.3).
Identifiers: ClinVar variation 1377265 (VCV001377265.3), dbSNP rs747600196, ClinGen allele CA1970373.

ClinVar aggregate classification (germline): Uncertain significance (1 of 4 stars; one submission).

Allele frequency attached by ClinVar (database versions not stated): TOPMed 0.00006; ESP Exome Variant Server 0.00008; ExAC 0.00009; gnomAD 0.00013 and 0.00014; gnomAD exomes 0.00018 and 0.00023.

Submission:

Labcorp Genetics (formerly Invitae), Labcorp
Classification: Uncertain significance. Last evaluated: 2022-09-27. Review status: criteria provided, single submitter. Criteria: Invitae Variant Classification Sherloc (09022015). Collection method: clinical testing. Allele origin: germline.
Comment: This sequence change falls in intron 5 of the MAP3K20 gene. It does not directly change the encoded amino acid sequence of the MAP3K20 protein. It affects a nucleotide within the consensus splice site. This variant is present in population databases (rs747600196, gnomAD 0.2%). This variant has not been reported in the literature in individuals affected with MAP3K20-related conditions. ClinVar contains an entry for this variant (Variation ID: 1377265). Variants that disrupt the consensus splice site are a relatively common cause of aberrant splicing (PMID: 17576681, 9536098). Experimental studies and prediction algorithms are not available or were not evaluated, and the effect of this variant on mRNA splicing is currently unknown. In summary, the available evidence is currently insufficient to determine the role of this variant in disease. Therefore, it has been classified as a Variant of Uncertain Significance.

Literature cited by the submitters: PubMed 17576681; PubMed 9536098.